The following is an entry in ClinVar:

ClinVar aggregate classification (germline): Uncertain significance. Review status: criteria provided, multiple submitters, no conflicts (2 of 4 stars). 2 submissions from 2 submitters: Uncertain significance (2). Last evaluated 2024-11-27.

Conditions:
Lymphedema-posterior choanal atresia syndrome. Identifiers: Orphanet 99141, MedGen C3150875, MONDO:0013324, OMIM 613611.

Allele frequency attached by ClinVar (database versions not stated): gnomAD exomes 0.00003; ExAC 0.00004; ESP Exome Variant Server 0.00015; gnomAD 0.00017.

Submissions (2):

Ambry Genetics
Classification: Uncertain significance. Last evaluated: 2024-11-27. Review status: criteria provided, single submitter. Criteria: Ambry Variant Classification Scheme 2023. Collection method: clinical testing. Allele origin: germline.

Clinical Genomics Laboratory, Washington University in St. Louis
Classification: Uncertain significance for Lymphedema-posterior choanal atresia syndrome. Last evaluated: 2023-09-15. Review status: criteria provided, single submitter. Criteria: ACMG Guidelines, 2015. Collection method: clinical testing. Allele origin: germline.
Comment: The PTPN14 c.2596A>G (p.Met866Val) variant was identified at a near-heterozygous allelic fraction. This variant, to our knowledge, has not been reported in the medical literature. This variant has been reported in the ClinVar database as a germline variant of uncertain significance by one submitter (ClinVar ID: 2359361). Computational predictors suggest that the variant does not impact the PTPN14 function. Due to limited information and based on ACMG/AMP guidelines for variant interpretation (Richards S et al., PMID: 25741868), the clinical significance of this variant is uncertain at this time.

NM_005401.5(PTPN14):c.2596A>G (p.Met866Val)

Gene: PTPN14 (protein tyrosine phosphatase non-receptor type 14; minus strand). Cytogenetic location: 1q32.3.
Variant type: single nucleotide variant.
Coding change: c.2596A>G on transcript NM_005401.5 (MANE Select); coding-DNA position 2596, A replaced by G.
Protein change: p.Met866Val; replaces methionine 866 with valine.
Molecular consequence: missense variant.
Genome position (GRCh38, 1-based): chr1:214,378,051, T>C on the plus strand (A>G on the coding strand, the complement: PTPN14 is on the minus strand). VCF-style: chr1-214378051-T-C. GRCh37 (hg19) VCF-style: chr1-214551394-T-C.
Other names: short protein forms M866V.
Identifiers: ClinVar variation 2359361 (VCV002359361.4), dbSNP rs148810458, ClinGen allele CA1388828.